The following is an entry in ClinVar:

ClinVar aggregate classification (germline): Likely benign. Review status: criteria provided, multiple submitters, no conflicts (2 of 4 stars). 6 submissions from 6 submitters: Likely benign (5). 1 of the submissions does not count toward it. Last evaluated 2025-12-15.

Conditions:
TUBGCP6-related disorder. Also called: TUBGCP6-related condition.

Allele frequency attached by ClinVar (database versions not stated): ExAC 0.00033; gnomAD exomes 0.00035; ESP Exome Variant Server 0.00046; gnomAD 0.00048 and 0.00050; TOPMed 0.00057.
gnomAD v4.1: 923 of 1,530,104 alleles (0.06%); highest among the groups gnomAD compares: Non-Finnish European, 0.074%; 1 homozygote.

Submissions (6):

Labcorp Genetics (formerly Invitae), Labcorp
Classification: Likely benign. Last evaluated: 2025-12-15. Review status: criteria provided, single submitter. Criteria: Invitae Variant Classification Sherloc (09022015). Collection method: clinical testing. Allele origin: germline.

CeGaT Center for Human Genetics Tuebingen
Classification: Likely benign. Last evaluated: 2025-07-01. Review status: criteria provided, single submitter. Criteria: CeGaT Center For Human Genetics Tuebingen Variant Classification Criteria Version 2. Collection method: clinical testing. Allele origin: germline. Affected: yes. Observed: 4 variant alleles.
Comment: TUBGCP6: BP4, BP7

Laboratory of Genetics, Children's Clinical University Hospital Latvia
Classification: Likely benign. Last evaluated: 2025-02-16. Review status: criteria provided, single submitter. Criteria: ACMG Guidelines, 2015. Collection method: clinical testing. Allele origin: germline. Affected: yes.

Blueprint Genetics
Classification: Likely benign. Last evaluated: 2024-09-05. Review status: criteria provided, single submitter. Criteria: ACMG Guidelines, 2015. Collection method: clinical testing. Allele origin: germline.

Genetic Services Laboratory, University of Chicago
Classification: Likely benign. Last evaluated: 2016-04-01. Review status: criteria provided, single submitter. Criteria: ACMG Guidelines, 2015. Collection method: clinical testing. Allele origin: germline. Affected: no.

PreventionGenetics, part of Exact Sciences
Classification: Likely benign for TUBGCP6-related condition. Last evaluated: 2019-11-07. Review status: no assertion criteria provided. Collection method: clinical testing. Allele origin: germline. Not counted in ClinVar's aggregate classification.
Comment: This variant is classified as likely benign based on ACMG/AMP sequence variant interpretation guidelines (Richards et al. 2015 PMID: 25741868, with internal and published modifications).

NM_020461.4(TUBGCP6):c.2724G>A (p.Pro908=)

Gene: TUBGCP6 (tubulin gamma complex component 6; minus strand). Cytogenetic location: 22q13.33.
Variant type: single nucleotide variant.
Coding change: c.2724G>A on transcript NM_020461.4 (MANE Select); coding-DNA position 2724, G replaced by A.
Protein change: p.Pro908=; no amino-acid change (proline 908 retained).
Molecular consequence: synonymous variant.
Genome position (GRCh38, 1-based): chr22:50,221,635, C>T on the plus strand (G>A on the coding strand, the complement: TUBGCP6 is on the minus strand). VCF-style: chr22-50221635-C-T. GRCh37 (hg19) VCF-style: chr22-50660064-C-T.
Identifiers: ClinVar variation 437154 (VCV000437154.53), dbSNP rs140491142, ClinGen allele CA10308130.
Genomic context (GRCh38, chr22:50,221,635, plus strand): 5'-GTCCAAGTTAATGGTCTGCAGCGCCACCTCCAGGAGAGGGACCATGCCAGTCTGCACGGA[C>T]GGCTCAGCCCCTGGGCCCACAGGTAGGAAGTCTCCAATGCTGAGGCTGTCAGAGAAGGGT-3'
Protein context (NP_065194.3, residues 898-918): DFLPVGPGAE[Pro908=]SVQTGMVPLL